The following is an entry in ClinVar:

ClinVar aggregate classification (germline): Uncertain significance (1 of 4 stars; one submission).

Conditions:
Spastic paraplegia. Identifiers: MedGen C0037772, HP:0001258.

gnomAD v4.1: 1 of 1,613,048 alleles (0.000062%); highest among the groups gnomAD compares: Non-Finnish European, 0.000085%; no homozygotes.

Submission:

Labcorp Genetics (formerly Invitae), Labcorp
Classification: Uncertain significance for Spastic paraplegia. Last evaluated: 2021-08-01. Review status: criteria provided, single submitter. Criteria: Invitae Variant Classification Sherloc (09022015). Collection method: clinical testing. Allele origin: germline.
Comment: In summary, the available evidence is currently insufficient to determine the role of this variant in disease. Therefore, it has been classified as a Variant of Uncertain Significance. Advanced modeling of protein sequence and biophysical properties (such as structural, functional, and spatial information, amino acid conservation, physicochemical variation, residue mobility, and thermodynamic stability) performed at Invitae indicates that this missense variant is expected to disrupt KIF5A protein function. This variant has not been reported in the literature in individuals affected with KIF5A-related conditions. This variant is not present in population databases (ExAC no frequency). This sequence change replaces proline with arginine at codon 177 of the KIF5A protein (p.Pro177Arg). The proline residue is highly conserved and there is a moderate physicochemical difference between proline and arginine.

NM_004984.4(KIF5A):c.530C>G (p.Pro177Arg)

Gene: KIF5A (kinesin family member 5A; plus strand). Cytogenetic location: 12q13.3.
Variant type: single nucleotide variant.
Coding change: c.530C>G on transcript NM_004984.4 (MANE Select); coding-DNA position 530, C replaced by G.
Protein change: p.Pro177Arg; replaces proline 177 with arginine.
Molecular consequence: missense variant.
Genome position (GRCh38, 1-based): chr12:57,567,154, C>G. VCF-style: chr12-57567154-C-G. GRCh37 (hg19) VCF-style: chr12-57960937-C-G.
Other names: c.263C>G, p.Pro88Arg (NM_001354705.2); short protein forms P88R, P177R.
Identifiers: ClinVar variation 1479452 (VCV001479452.6), dbSNP rs1319232269, ClinGen allele CA385497682.